The following is an entry in ClinVar:

ClinVar aggregate classification (germline): Pathogenic (1 of 4 stars; one submission).

Conditions:
Hereditary cancer-predisposing syndrome. Also called: Neoplastic Syndromes, Hereditary; Tumor predisposition; Hereditary Cancer Syndrome; Hereditary neoplastic syndrome. Identifiers: Orphanet 140162, MedGen C0027672, MeSH D009386, MONDO:0015356.

Submission:

Ambry Genetics
Classification: Pathogenic for Hereditary cancer-predisposing syndrome. Last evaluated: 2020-12-03. Review status: criteria provided, single submitter. Criteria: Ambry Variant Classification Scheme 2023. Collection method: clinical testing. Allele origin: germline.
Comment: The c.3568delC pathogenic mutation, located in coding exon 10 of the BRCA2 gene, results from a deletion of one nucleotide at nucleotide position 3568, causing a translational frameshift with a predicted alternate stop codon (p.R1190Gfs*7). This alteration is expected to result in loss of function by premature protein truncation or nonsense-mediated mRNA decay. As such, this alteration is interpreted as a disease-causing mutation.

NM_000059.4(BRCA2):c.3568del (p.Arg1190fs)

Gene: BRCA2 (BRCA2 DNA repair associated; plus strand). Cytogenetic location: 13q13.1.
Variant type: Deletion.
Coding change: c.3568del on transcript NM_000059.4 (MANE Select); coding-DNA position 3568, one base deleted (C; older notation c.3568delC).
Protein change: p.Arg1190fs; shifts the reading frame from arginine 1190.
Molecular consequence: frameshift variant.
Genome position (GRCh38, 1-based): chr13:32,337,923, C deleted. VCF-style (leftmost placement, unchanged base first): chr13-32337922-AC-A. GRCh37 (hg19) VCF-style: chr13-32912059-AC-A.
Other names: c.3568delC, p.Arg1190Glyfs (NM_001406719.1, NM_001406720.1); short protein forms R1190fs.
Identifiers: ClinVar variation 1732758 (VCV001732758.2), dbSNP rs2548526239, ClinGen allele CA2580087093.